The following is an entry in ClinVar:

ClinVar aggregate classification (germline): Uncertain significance (1 of 4 stars; one submission).

Conditions:
KAT6B-related disorder. Also called: KAT6B-related disorders; KAT6B-related condition.

Allele frequency attached by ClinVar (database versions not stated): gnomAD exomes below 0.00001; ExAC 0.00002; ESP Exome Variant Server 0.00008.
gnomAD v4.1: 1 of 1,614,108 alleles (0.000062%); highest among the groups gnomAD compares: African/African-American, 0.0013%; no homozygotes.

Submission:

PreventionGenetics, part of Exact Sciences
Classification: Uncertain significance for KAT6B-related condition. Last evaluated: 2023-02-23. Review status: criteria provided, single submitter. Criteria: ACMG Guidelines, 2015. Collection method: clinical testing. Allele origin: germline.
Comment: The KAT6B c.4738C>G variant is predicted to result in the amino acid substitution p.Gln1580Glu. To our knowledge, this variant has not been reported in the literature. This variant is reported in 0.0062% of alleles in individuals of African descent in gnomAD. At this time, the clinical significance of this variant is uncertain due to the absence of conclusive functional and genetic evidence.

NM_012330.4(KAT6B):c.4738C>G (p.Gln1580Glu)

Gene: KAT6B (lysine acetyltransferase 6B; plus strand). Cytogenetic location: 10q22.2.
Variant type: single nucleotide variant.
Coding change: c.4738C>G on transcript NM_012330.4 (MANE Select); coding-DNA position 4738, C replaced by G.
Protein change: p.Gln1580Glu; replaces glutamine 1580 with glutamic acid.
Molecular consequence: missense variant.
Genome position (GRCh38, 1-based): chr10:75,029,562, C>G. VCF-style: chr10-75029562-C-G. GRCh37 (hg19) VCF-style: chr10-76789320-C-G.
Other names: c.4189C>G, p.Gln1397Glu (NM_001256468.2, NM_001370138.1); c.3862C>G, p.Gln1288Glu (NM_001256469.2, NM_001370139.1, NM_001370140.1 and 2 more transcripts); c.3700C>G, p.Gln1234Glu (NM_001370132.1); c.3049C>G, p.Gln1017Glu (NM_001370133.1); c.2653C>G, p.Gln885Glu (NM_001370134.1); c.2395C>G, p.Gln799Glu (NM_001370135.1); c.4738C>G, p.Gln1580Glu (NM_001370136.1, NM_001370137.1); c.3673C>G, p.Gln1225Glu (NM_001370143.1, NM_001370144.1); short protein forms Q1017E, Q1225E, Q1234E, Q1288E, Q1397E, Q1580E, Q799E, Q885E.
Identifiers: ClinVar variation 2629545 (VCV002629545.1), dbSNP rs140322278, ClinGen allele CA5565087.